The following is an entry in ClinVar:

ClinVar aggregate classification (germline): Uncertain significance. Review status: criteria provided, multiple submitters, no conflicts (2 of 4 stars). 6 submissions from 6 submitters: Uncertain significance (6). Last evaluated 2025-07-09.

Conditions:
Familial thoracic aortic aneurysm and aortic dissection (TAAD). Also called: Thoracic aortic aneurysms and dissections. Identifiers: Orphanet 91387, MedGen C4707243, MONDO:0019625.
Aortic aneurysm, familial thoracic 4 (AAT4). Also called: AORTIC ANEURYSM/AORTIC DISSECTION AND PATENT DUCTUS ARTERIOSUS. Identifiers: MedGen C1851504, MONDO:0007568, OMIM 132900.

Allele frequency attached by ClinVar (database versions not stated): gnomAD 0.00001; TOPMed 0.00002.
gnomAD v4.1: 10 of 1,614,046 alleles (0.00062%); highest among the groups gnomAD compares: Non-Finnish European, 0.00085%; no homozygotes.

Submissions (6):

GeneDx
Classification: Uncertain significance. Last evaluated: 2025-07-09. Review status: criteria provided, single submitter. Criteria: GeneDx Variant Classification Process June 2021. Collection method: clinical testing. Allele origin: germline. Affected: yes.
Comment: Not observed at significant frequency in large population cohorts (gnomAD); In silico analysis suggests that this missense variant does not alter protein structure/function; Has not been previously published as pathogenic or benign to our knowledge

Color Diagnostics, LLC DBA Color Health
Classification: Uncertain significance for Familial thoracic aortic aneurysm and aortic dissection. Last evaluated: 2025-06-23. Review status: criteria provided, single submitter. Criteria: ACMG Guidelines, 2015. Collection method: clinical testing. Allele origin: germline.
Comment: This missense variant replaces glutamine with glutamic acid at codon 1836 of the MYH11 protein. Computational prediction suggests that this variant may not impact protein structure and function. To our knowledge, functional studies have not been reported for this variant. This variant has not been reported in individuals affected with MYH11-related disorders in the literature. This variant has not been identified in the general population by the Genome Aggregation Database (gnomAD). The available evidence is insufficient to determine the role of this variant in disease conclusively. Therefore, this variant is classified as a Variant of Uncertain Significance.

All of Us Research Program, National Institutes of Health
Classification: Uncertain significance for Familial thoracic aortic aneurysm and aortic dissection. Last evaluated: 2024-09-23. Review status: criteria provided, single submitter. Criteria: ACMG Guidelines, 2015. Collection method: clinical testing. Allele origin: germline. Inheritance: Autosomal dominant inheritance. Observed: 2 variant alleles, 2 heterozygotes.
Comment: This study involves interpretation of variants in research participants for the purpose of population health screening. Participant phenotype was not available at the time of variant classification. Additional details can be found in publication PMID: 35346344, PMCID: PMC8962531

Labcorp Genetics (formerly Invitae), Labcorp
Classification: Uncertain significance for Aortic aneurysm, familial thoracic 4. Last evaluated: 2024-04-15. Review status: criteria provided, single submitter. Criteria: Invitae Variant Classification Sherloc (09022015). Collection method: clinical testing. Allele origin: germline.
Comment: This sequence change replaces glutamine, which is neutral and polar, with glutamic acid, which is acidic and polar, at codon 1836 of the MYH11 protein (p.Gln1836Glu). This variant is not present in population databases (gnomAD no frequency). This variant has not been reported in the literature in individuals affected with MYH11-related conditions. ClinVar contains an entry for this variant (Variation ID: 424572). Advanced modeling of protein sequence and biophysical properties (such as structural, functional, and spatial information, amino acid conservation, physicochemical variation, residue mobility, and thermodynamic stability) performed at Invitae indicates that this missense variant is not expected to disrupt MYH11 protein function with a negative predictive value of 95%. In summary, the available evidence is currently insufficient to determine the role of this variant in disease. Therefore, it has been classified as a Variant of Uncertain Significance.

Women's Health and Genetics/Laboratory Corporation of America, LabCorp
Classification: Uncertain significance. Last evaluated: 2021-04-15. Review status: criteria provided, single submitter. Criteria: LabCorp Variant Classification Summary - May 2015. Collection method: clinical testing. Allele origin: germline.
Comment: Variant summary: MYH11 c.5506C>G (p.Gln1836Glu) results in a conservative amino acid change located in the Myosin tail domain (IPR002928) of the encoded protein sequence. Four of five in-silico tools predict a benign effect of the variant on protein function. The variant was absent in 251218 control chromosomes (gnomAD v2.1). The available data on variant occurrences in the general population are insufficient to allow any conclusion about variant significance. To our knowledge, no occurrence of c.5506C>G in individuals affected with Thoracic Aortic Aneurysms and Dissections and no experimental evidence demonstrating its impact on protein function have been reported. Two clinical diagnostic laboratories have submitted clinical-significance assessments for this variant to ClinVar after 2014, and both of them classified the variant as uncertain significance. Based on the evidence outlined above, the variant was classified as uncertain significance.

Ambry Genetics
Classification: Uncertain significance for Familial thoracic aortic aneurysm and aortic dissection. Last evaluated: 2021-02-16. Review status: criteria provided, single submitter. Criteria: Ambry Variant Classification Scheme 2023. Collection method: clinical testing. Allele origin: germline.
Comment: The p.Q1829E variant (also known as c.5485C>G), located in coding exon 37 of the MYH11 gene, results from a C to G substitution at nucleotide position 5485. The glutamine at codon 1829 is replaced by glutamic acid, an amino acid with highly similar properties. This amino acid position is highly conserved in available vertebrate species. In addition, the in silico prediction for this alteration is inconclusive. Since supporting evidence is limited at this time, the clinical significance of this alteration remains unclear.

NM_002474.3(MYH11):c.5485C>G (p.Gln1829Glu)

Genes: MYH11 (myosin heavy chain 11; minus strand), NDE1 (nudE neurodevelopment protein 1; plus strand). Cytogenetic location: 16p13.11.
Variant type: single nucleotide variant.
Coding change: c.5485C>G on transcript NM_002474.3 (MANE Select); coding-DNA position 5485, C replaced by G.
Protein change: p.Gln1829Glu; replaces glutamine 1829 with glutamic acid.
Molecular consequence: missense variant. On other transcripts: intron variant (2).
Genome position (GRCh38, 1-based): chr16:15,717,159, G>C on the plus strand (C>G on the coding strand, the complement: MYH11 is on the minus strand). VCF-style: chr16-15717159-G-C. GRCh37 (hg19) VCF-style: chr16-15811016-G-C.
Other names: c.5506C>G, p.Gln1836Glu (NM_001040113.2, NM_001040114.2); c.5485C>G, p.Gln1829Glu (NM_022844.3); c.948-7032G>C (NM_001143979.2, NM_017668.3); short protein forms Q1829E, Q1836E.
Identifiers: ClinVar variation 424572 (VCV000424572.17), dbSNP rs1005977032, ClinGen allele CA16620074.